The following is an entry in ClinVar:

NM_017637.6(BNC2):c.2208A>G (p.Glu736=)

Genes: BNC2 (basonuclin zinc finger protein 2; minus strand), LOC126860585 (MED14-independent group 3 enhancer GRCh37_chr9:16435259-16436458; plus strand). Cytogenetic location: 9p22.3.
Variant type: single nucleotide variant.
Coding change: c.2208A>G on transcript NM_017637.6 (MANE Select); coding-DNA position 2208, A replaced by G.
Protein change: p.Glu736=; no amino-acid change (glutamic acid 736 retained).
Molecular consequence: synonymous variant.
Genome position (GRCh38, 1-based): chr9:16,435,986, T>C on the plus strand (A>G on the coding strand, the complement: BNC2 is on the minus strand). VCF-style: chr9-16435986-T-C. GRCh37 (hg19) VCF-style: chr9-16435984-T-C.
Other names: c.2082A>G, p.Glu694= (NM_001317939.2); c.1923A>G, p.Glu641= (NM_001317940.2).
Identifiers: ClinVar variation 3034255 (VCV003034255.4), dbSNP rs191305289, ClinGen allele CA4995943.

ClinVar aggregate classification (germline): Benign. Review status: criteria provided, single submitter (1 of 4 stars). 2 submissions from 2 submitters: Benign (1). 1 of the submissions does not count toward it. Last evaluated 2025-04-22.

Conditions:
BNC2-related disorder. Also called: BNC2-related condition.

Allele frequency attached by ClinVar (database versions not stated): gnomAD exomes 0.00002; gnomAD 0.00003; 1000 Genomes Project 0.00040; TOPMed 0.00004; ExAC 0.00007; 1000 Genomes Project 30x 0.00047.
gnomAD v4.1: 31 of 1,613,902 alleles (0.0019%); highest among the groups gnomAD compares: East Asian, 0.054%; no homozygotes.

Submissions (2):

Labcorp Genetics (formerly Invitae), Labcorp
Classification: Benign. Last evaluated: 2025-04-22. Review status: criteria provided, single submitter. Criteria: Invitae Variant Classification Sherloc (09022015). Collection method: clinical testing. Allele origin: germline.

PreventionGenetics, part of Exact Sciences
Classification: Likely benign for BNC2-related condition. Last evaluated: 2019-08-21. Review status: no assertion criteria provided. Collection method: clinical testing. Allele origin: germline. Not counted in ClinVar's aggregate classification.
Comment: This variant is classified as likely benign based on ACMG/AMP sequence variant interpretation guidelines (Richards et al. 2015 PMID: 25741868, with internal and published modifications).